The following is an entry in ClinVar:

NM_000883.4(IMPDH1):c.1639G>A (p.Ala547Thr)

Gene: IMPDH1 (inosine monophosphate dehydrogenase 1; minus strand). Cytogenetic location: 7q32.1.
Variant type: single nucleotide variant.
Coding change: c.1639G>A on transcript NM_000883.4 (MANE Select); coding-DNA position 1639, G replaced by A.
Protein change: p.Ala547Thr; replaces alanine 547 with threonine.
Molecular consequence: missense variant.
Genome position (GRCh38, 1-based): chr7:128,394,511, C>T on the plus strand (G>A on the coding strand, the complement: IMPDH1 is on the minus strand). VCF-style: chr7-128394511-C-T. GRCh37 (hg19) VCF-style: chr7-128034565-C-T.
Other names: c.1609G>A, p.Ala537Thr (NM_001102605.2); c.1384G>A, p.Ala462Thr (NM_001142573.2); c.1369G>A, p.Ala457Thr (NM_001142574.2); c.1309G>A, p.Ala437Thr (NM_001142575.2); c.1540G>A, p.Ala514Thr (NM_001142576.2); c.1432G>A, p.Ala478Thr (NM_001304521.2); c.1531G>A, p.Ala511Thr (NM_183243.3); short protein forms A437T, A457T, A462T, A478T, A511T, A514T, A537T, A547T.
Identifiers: ClinVar variation 1000376 (VCV001000376.8), dbSNP rs1797768699, ClinGen allele CA369162096.

ClinVar aggregate classification (germline): Uncertain significance (1 of 4 stars; one submission).

Allele frequency attached by ClinVar (database versions not stated): gnomAD exomes below 0.00001.

Submission:

Labcorp Genetics (formerly Invitae), Labcorp
Classification: Uncertain significance. Last evaluated: 2020-01-23. Review status: criteria provided, single submitter. Criteria: Invitae Variant Classification Sherloc (09022015). Collection method: clinical testing. Allele origin: germline.
Comment: This variant is not present in population databases (ExAC no frequency). In summary, the available evidence is currently insufficient to determine the role of this variant in disease. Therefore, it has been classified as a Variant of Uncertain Significance. Algorithms developed to predict the effect of missense changes on protein structure and function (SIFT, PolyPhen-2, Align-GVGD) all suggest that this variant is likely to be tolerated, but these predictions have not been confirmed by published functional studies and their clinical significance is uncertain. This variant has not been reported in the literature in individuals with IMPDH1-related conditions. This sequence change replaces alanine with threonine at codon 547 of the IMPDH1 protein (p.Ala547Thr). The alanine residue is moderately conserved and there is a small physicochemical difference between alanine and threonine.